The following is an entry in ClinVar:

NM_183235.3(RAB27A):c.213G>T (p.Gln71His)

Gene: RAB27A (RAB27A, member RAS oncogene family; minus strand). Cytogenetic location: 15q21.3.
Variant type: single nucleotide variant.
Coding change: c.213G>T on transcript NM_183235.3 (MANE Select); coding-DNA position 213, G replaced by T.
Protein change: p.Gln71His; replaces glutamine 71 with histidine.
Molecular consequence: missense variant.
Genome position (GRCh38, 1-based): chr15:55,230,427, C>A on the plus strand (G>T on the coding strand, the complement: RAB27A is on the minus strand). VCF-style: chr15-55230427-C-A. GRCh37 (hg19) VCF-style: chr15-55522625-C-A.
Other names: c.213G>T, p.Gln71His (NM_004580.5, NM_183234.3, NM_183236.3); short protein forms Q71H.
Identifiers: ClinVar variation 316649 (VCV000316649.12), dbSNP rs776920896, ClinGen allele CA7573665.

ClinVar aggregate classification (germline): Conflicting classifications of pathogenicity. Review status: criteria provided, conflicting classifications (1 of 4 stars). 4 submissions from 4 submitters: Likely pathogenic (1); Uncertain significance (3). Last evaluated 2025-05-29.

Conditions:
Inborn genetic diseases. Identifiers: MedGen C0950123, MeSH D030342.
Griscelli syndrome type 2 (GS2). Also called: GRISCELLI SYNDROME WITH HEMOPHAGOCYTIC SYNDROME; PAID SYNDROME; PARTIAL ALBINISM AND IMMUNODEFICIENCY SYNDROME. Identifiers: Orphanet 381, Orphanet 79477, MedGen C1868679, MONDO:0011872, OMIM 607624.

Allele frequency attached by ClinVar (database versions not stated): gnomAD 0.00006; TOPMed 0.00006.
gnomAD v4.1: 131 of 1,613,740 alleles (0.0081%); highest among the groups gnomAD compares: Non-Finnish European, 0.01%; no homozygotes.

Submissions (4):

Ambry Genetics
Classification: Likely pathogenic for Inborn genetic diseases. Last evaluated: 2025-05-29. Review status: criteria provided, single submitter. Criteria: Ambry Variant Classification Scheme 2023. Collection method: clinical testing. Allele origin: germline.
Comment: The c.213G>T (p.Q71H) alteration is located in exon 3 (coding exon 2) of the RAB27A gene. This alteration results from a G to T substitution at nucleotide position 213, causing the glutamine (Q) at amino acid position 71 to be replaced by a histidine (H). Based on data from gnomAD, the T allele has an overall frequency of 0.004% (11/251152) total alleles studied. The highest observed frequency was 0.009% (10/113496) of European (non-Finnish) alleles. This variant has been identified in the homozygous state and/or in conjunction with other RAB27A variant(s) in individual(s) with features consistent with Griscelli syndrome (Delestre, 2020). This amino acid position is highly conserved in available vertebrate species. This alteration is predicted to be deleterious by in silico analysis. Based on the available evidence, this alteration is classified as likely pathogenic.

Labcorp Genetics (formerly Invitae), Labcorp
Classification: Uncertain significance for Griscelli syndrome type 2. Last evaluated: 2022-08-15. Review status: criteria provided, single submitter. Criteria: Invitae Variant Classification Sherloc (09022015). Collection method: clinical testing. Allele origin: germline.
Comment: This sequence change replaces glutamine, which is neutral and polar, with histidine, which is basic and polar, at codon 71 of the RAB27A protein (p.Gln71His). This variant is present in population databases (rs776920896, gnomAD 0.008%). This variant has not been reported in the literature in individuals affected with RAB27A-related conditions. ClinVar contains an entry for this variant (Variation ID: 316649). Advanced modeling of protein sequence and biophysical properties (such as structural, functional, and spatial information, amino acid conservation, physicochemical variation, residue mobility, and thermodynamic stability) performed at Invitae indicates that this missense variant is expected to disrupt RAB27A protein function. In summary, the available evidence is currently insufficient to determine the role of this variant in disease. Therefore, it has been classified as a Variant of Uncertain Significance.

Fulgent Genetics
Classification: Uncertain significance for Griscelli syndrome type 2. Last evaluated: 2021-10-26. Review status: criteria provided, single submitter. Criteria: ACMG Guidelines, 2015. Collection method: clinical testing. Allele origin: unknown.

Illumina Laboratory Services, Illumina
Classification: Uncertain significance for Griscelli syndrome type 2. Last evaluated: 2018-01-13. Review status: criteria provided, single submitter. Criteria: ICSL Variant Classification Criteria 13 December 2019. Collection method: clinical testing. Allele origin: germline.